The following is an entry in ClinVar:

ClinVar aggregate classification (germline): Uncertain significance (1 of 4 stars; one submission).

Submission:

Labcorp Genetics (formerly Invitae), Labcorp
Classification: Uncertain significance. Last evaluated: 2025-05-12. Review status: criteria provided, single submitter. Criteria: Invitae Variant Classification Sherloc (09022015). Collection method: clinical testing. Allele origin: germline.
Comment: This sequence change replaces glycine, which is neutral and non-polar, with valine, which is neutral and non-polar, at codon 237 of the PRPF31 protein (p.Gly237Val). This variant is not present in population databases (gnomAD no frequency). This variant has not been reported in the literature in individuals affected with PRPF31-related conditions. An algorithm developed to predict the effect of missense changes on protein structure and function (PolyPhen-2) suggests that this variant is likely to be disruptive. In summary, the available evidence is currently insufficient to determine the role of this variant in disease. Therefore, it has been classified as a Variant of Uncertain Significance.

NM_015629.4(PRPF31):c.710G>T (p.Gly237Val)

Gene: PRPF31 (pre-mRNA processing factor 31; plus strand). Cytogenetic location: 19q13.42.
Variant type: single nucleotide variant.
Coding change: c.710G>T on transcript NM_015629.4 (MANE Select); coding-DNA position 710, G replaced by T.
Protein change: p.Gly237Val; replaces glycine 237 with valine.
Molecular consequence: missense variant.
Genome position (GRCh38, 1-based): chr19:54,124,511, G>T. VCF-style: chr19-54124511-G-T. GRCh37 (hg19) VCF-style: chr19-54627890-G-T.
Other names: short protein forms G237V.
Identifiers: ClinVar variation 4719446 (VCV004719446.1).